The following is an entry in ClinVar:

ClinVar aggregate classification (germline): Pathogenic/Likely pathogenic. Review status: criteria provided, multiple submitters, no conflicts (2 of 4 stars). 11 submissions from 11 submitters: Pathogenic (8); Likely pathogenic (1). 2 of the submissions do not count toward it. Last evaluated 2024-08-07.

Conditions:
ZEB2-related disorder. Also called: ZEB2-related condition.
Mowat-Wilson syndrome (MOWS). Also called: Classic Mowat-Wilson Syndrome. Identifiers: Orphanet 2152, MedGen C1856113, MONDO:0009341, OMIM 235730.

Submissions (11):

GeneDx
Classification: Pathogenic. Last evaluated: 2024-08-07. Review status: criteria provided, single submitter. Criteria: GeneDx Variant Classification Process June 2021. Collection method: clinical testing. Allele origin: germline. Affected: yes.
Comment: Nonsense variant predicted to result in protein truncation or nonsense mediated decay in a gene for which loss-of-function is a known mechanism of disease; Not observed at significant frequency in large population cohorts (gnomAD); This variant is associated with the following publications: (PMID: 29093530, 25525159, 19842203, 24715670, 28096981, 32005694, 29655203, 16053902, 17958891, 31104665, 36403551, 33057194, 36406119, 35982159, 15121779)

Dasa
Classification: Pathogenic. Last evaluated: 2024-07-10. Review status: criteria provided, single submitter. Criteria: DASA Assertion Criteria. Collection method: clinical testing. Allele origin: germline.
Comment: NM_014795.4(ZEB2):c.904C>T (p.Arg302*) introduces a premature termination codon predicted to result in loss of normal protein function. Loss-of-function is an established mechanism of disease for this gene. This variant has been recurrently observed in individuals with related phenotype (PMID: 15121779; PMID: 19842203; PMID: 28096981). Based on the available data, this variant is classified as pathogenic.

Labcorp Genetics (formerly Invitae), Labcorp
Classification: Pathogenic for Mowat-Wilson syndrome. Last evaluated: 2024-06-04. Review status: criteria provided, single submitter. Criteria: Invitae Variant Classification Sherloc (09022015). Collection method: clinical testing. Allele origin: germline.
Comment: This sequence change creates a premature translational stop signal (p.Arg302*) in the ZEB2 gene. It is expected to result in an absent or disrupted protein product. Loss-of-function variants in ZEB2 are known to be pathogenic (PMID: 16053902). This variant is not present in population databases (gnomAD no frequency). This premature translational stop signal has been observed in individuals with Mowat-Wilson syndrome (PMID: 15121779, 19842203). ClinVar contains an entry for this variant (Variation ID: 160329). For these reasons, this variant has been classified as Pathogenic.

Fulgent Genetics
Classification: Likely pathogenic for Mowat-Wilson syndrome. Last evaluated: 2024-04-30. Review status: criteria provided, single submitter. Criteria: ACMG Guidelines, 2015. Collection method: clinical testing. Allele origin: germline.

Broad Center for Mendelian Genomics, Broad Institute of MIT and Harvard
Classification: Pathogenic for Mowat-Wilson syndrome. Last evaluated: 2023-01-25. Review status: criteria provided, single submitter. Criteria: ACMG Guidelines, 2015. Collection method: curation. Allele origin: germline. Inheritance: Autosomal dominant inheritance.
Comment: Trio exome analysis showed this variant to be de novo. The p.Arg302Ter variant in ZEB2 has been previously reported in at least 4 unrelated individuals with Mowat Wilson syndrome (PMID: 28096981, PMID: 29093530, PMID: 15121779, PMID: 19842203). The number of reported affected individuals with this variant is slightly greater than expected compared to non-affected individuals with this variant. This variant was found to be de novo in 2 individuals with confirmed paternity and maternity (PMID: 28096981, PMID: 29093530). This variant has also been reported in ClinVar (Variation ID: 160329) and has been interpreted as pathogenic by multiple submitters. This variant was absent from large population studies. This nonsense variant leads to a premature termination codon at position 302, which is predicted to lead to a truncated or absent protein. Heterozygous loss of function of the ZEB2 gene is an established disease mechanism in autosomal dominant Mowat Wilson syndrome. In summary, this variant meets criteria to be classified as pathogenic for Mowat Wilson syndrome. ACMG/AMP Criteria applied: PVS1, PS2, PS4_Moderate, PM2_Supporting (Richards 2015).

Genome-Nilou Lab
Classification: Pathogenic for Mowat-Wilson syndrome. Last evaluated: 2021-11-07. Review status: criteria provided, single submitter. Criteria: ACMG Guidelines, 2015. Collection method: clinical testing. Allele origin: germline. Affected: no.

Revvity Omics, Revvity
Classification: Pathogenic for Mowat-Wilson syndrome. Last evaluated: 2021-04-09. Review status: criteria provided, single submitter. Criteria: ACMG Guidelines, 2015. Collection method: clinical testing. Allele origin: germline.

Blueprint Genetics
Classification: Pathogenic for ZEB2-related disorders. Last evaluated: 2019-03-18. Review status: criteria provided, single submitter. Criteria: ACMG Guidelines, 2015. Collection method: clinical testing. Allele origin: germline. Affected: yes. Observed: 1 variant allele.

Genetic Services Laboratory, University of Chicago
Classification: Pathogenic for Mowat-Wilson syndrome. Last evaluated: 2013-02-08. Review status: criteria provided, single submitter. Criteria: ACMG Guidelines, 2007. Collection method: clinical testing. Allele origin: germline. Inheritance: Autosomal dominant inheritance. Affected: yes.

Molecular Genetics Laboratory, Children's Mercy Hospital and Clinics
Classification: Pathogenic for Mowat-Wilson syndrome. Last evaluated: 2015-03-02. Review status: no assertion criteria provided. Collection method: clinical testing. Allele origin: unknown. Affected: yes. Not counted in ClinVar's aggregate classification.

Genomic Diagnostic Laboratory, Division of Genomic Diagnostics, Children's Hospital of Philadelphia
Classification: Pathogenic. Last evaluated: 2015-01-30. Review status: no assertion criteria provided. Collection method: clinical testing. Allele origin: germline. Not counted in ClinVar's aggregate classification.

Literature cited by the submitters: PubMed 15121779 (cited by Dasa and Labcorp Genetics (formerly Invitae), Labcorp); PubMed 19842203 (cited by Dasa and Labcorp Genetics (formerly Invitae), Labcorp); PubMed 28096981 (cited by Dasa); PubMed 16053902 (cited by Labcorp Genetics (formerly Invitae), Labcorp).

NM_014795.4(ZEB2):c.904C>T (p.Arg302Ter)

Gene: ZEB2 (zinc finger E-box binding homeobox 2; minus strand). Cytogenetic location: 2q22.3.
Variant type: single nucleotide variant.
Coding change: c.904C>T on transcript NM_014795.4 (MANE Select); coding-DNA position 904, C replaced by T.
Protein change: p.Arg302Ter; replaces arginine 302 with a stop codon.
Molecular consequence: nonsense.
Genome position (GRCh38, 1-based): chr2:144,401,211, G>A on the plus strand (C>T on the coding strand, the complement: ZEB2 is on the minus strand). VCF-style: chr2-144401211-G-A. GRCh37 (hg19) VCF-style: chr2-145158778-G-A.
Other names: p.R302*:CGA>TGA; NM_014795.4(ZEB2):c.904C>T; p.Arg302Ter; c.832C>T, p.Arg278Ter (NM_001171653.2); short protein forms R302*, R278*.
Identifiers: ClinVar variation 160329 (VCV000160329.26), dbSNP rs587784571, ClinGen allele CA235589.